The following is an entry in ClinVar:

NM_003036.4(SKI):c.1188C>T (p.His396=)

Gene: SKI (SKI proto-oncogene; plus strand). Cytogenetic location: 1p36.32.
Variant type: single nucleotide variant.
Coding change: c.1188C>T on transcript NM_003036.4 (MANE Select); coding-DNA position 1188, C replaced by T.
Protein change: p.His396=; no amino-acid change (histidine 396 retained).
Molecular consequence: synonymous variant.
Genome position (GRCh38, 1-based): chr1:2,303,377, C>T. VCF-style: chr1-2303377-C-T. GRCh37 (hg19) VCF-style: chr1-2234816-C-T.
Identifiers: ClinVar variation 392508 (VCV000392508.7), dbSNP rs998931386, ClinGen allele CA16603579.

ClinVar aggregate classification (germline): Likely benign. Review status: criteria provided, multiple submitters, no conflicts (2 of 4 stars). 2 submissions from 2 submitters: Likely benign (2). Last evaluated 2022-10-09.

Conditions:
Shprintzen-Goldberg syndrome (SGS). Also called: SHPRINTZEN-GOLDBERG CRANIOSYNOSTOSIS SYNDROME; CRANIOSYNOSTOSIS WITH ARACHNODACTYLY AND ABDOMINAL HERNIAS; Marfanoid disorder with craniosynostosis type 1; Marfanoid craniosynostosis syndrome; Shprintzen-Goldberg marfanoid syndrome. Identifiers: Orphanet 2462, MedGen C1321551, MONDO:0008426, OMIM 182212.

Allele frequency attached by ClinVar (database versions not stated): gnomAD exomes 0.00001 and below 0.00001; gnomAD 0.00001.
gnomAD v4.1: 7 of 1,613,200 alleles (0.00043%); highest among the groups gnomAD compares: South Asian, 0.0066%; 1 homozygote.

Submissions (2):

Labcorp Genetics (formerly Invitae), Labcorp
Classification: Likely benign for Shprintzen-Goldberg syndrome. Last evaluated: 2022-10-09. Review status: criteria provided, single submitter. Criteria: Invitae Variant Classification Sherloc (09022015). Collection method: clinical testing. Allele origin: germline.

GeneDx
Classification: Likely benign. Last evaluated: 2017-01-11. Review status: criteria provided, single submitter. Criteria: GeneDx Variant Classification (06012015). Collection method: clinical testing. Allele origin: germline. Affected: yes.
Comment: This variant is considered likely benign or benign based on one or more of the following criteria: it is a conservative change, it occurs at a poorly conserved position in the protein, it is predicted to be benign by multiple in silico algorithms, and/or has population frequency not consistent with disease.